The following is an entry in ClinVar:

ClinVar aggregate classification (germline): Uncertain significance. Review status: criteria provided, multiple submitters, no conflicts (2 of 4 stars). 2 submissions from 2 submitters: Uncertain significance (2). Last evaluated 2023-11-04.

Allele frequency attached by ClinVar (database versions not stated): gnomAD 0.00001; gnomAD exomes 0.00001; TOPMed 0.00002; ExAC 0.00003; ESP Exome Variant Server 0.00013.

Submissions (2):

Labcorp Genetics (formerly Invitae), Labcorp
Classification: Uncertain significance. Last evaluated: 2023-11-04. Review status: criteria provided, single submitter. Criteria: Invitae Variant Classification Sherloc (09022015). Collection method: clinical testing. Allele origin: germline.
Comment: This sequence change replaces isoleucine, which is neutral and non-polar, with threonine, which is neutral and polar, at codon 216 of the SLC39A7 protein (p.Ile216Thr). This variant is present in population databases (rs200753057, gnomAD 0.08%). This variant has not been reported in the literature in individuals affected with SLC39A7-related conditions. An algorithm developed to predict the effect of missense changes on protein structure and function (PolyPhen-2) suggests that this variant¬†is likely to be tolerated. In summary, the available evidence is currently insufficient to determine the role of this variant in disease. Therefore, it has been classified as a Variant of Uncertain Significance.

Blueprint Genetics
Classification: Uncertain significance. Last evaluated: 2021-03-16. Review status: criteria provided, single submitter. Criteria: ACMG Guidelines, 2015. Collection method: clinical testing. Allele origin: germline.

NM_006979.3(SLC39A7):c.647T>C (p.Ile216Thr)

Gene: SLC39A7 (solute carrier family 39 member 7; plus strand). Cytogenetic location: 6p21.32.
Variant type: single nucleotide variant.
Coding change: c.647T>C on transcript NM_006979.3 (MANE Select); coding-DNA position 647, T replaced by C.
Protein change: p.Ile216Thr; replaces isoleucine 216 with threonine.
Molecular consequence: missense variant.
Genome position (GRCh38, 1-based): chr6:33,202,275, T>C. VCF-style: chr6-33202275-T-C. GRCh37 (hg19) VCF-style: chr6-33170052-T-C.
Other names: c.647T>C, p.Ile216Thr (NM_001077516.2); c.272T>C, p.Ile91Thr (NM_001288777.2); short protein forms I91T, I216T.
Identifiers: ClinVar variation 3023965 (VCV003023965.2), dbSNP rs200753057, ClinGen allele CA3752330.
Genomic context (GRCh38, chr6:33,202,275, plus strand): 5'-AGTCTGGAATGCACATCTCCCTTAATGTCTCAATGCCTCCATTCCCAGGCCAGGGCCCCA[T>C]TCTGTCTGTGGGACTGTGGGTTCTCAGTGGAATTGTTGCCTTTCTTGTCGTGGAGAAATT-3'
Protein context (NP_008910.2, residues 206-226): HGHSHSGQGP[Ile216Thr]LSVGLWVLSG